The following is an entry in ClinVar:

ClinVar aggregate classification (germline): Uncertain significance. Review status: criteria provided, multiple submitters, no conflicts (2 of 4 stars). 7 submissions from 7 submitters: Uncertain significance (7). Last evaluated 2025-11-19.

Conditions:
Hereditary breast ovarian cancer syndrome. Also called: Hereditary breast and ovarian cancer syndrome (HBOC); BRCA1- and BRCA2-Associated Hereditary Breast and Ovarian Cancer; Hereditary breast and/or ovarian cancer syndrome; Hereditary breast and ovarian cancer syndrome; Hereditary breast and ovarian cancer; Breast and ovarian cancer. Identifiers: Orphanet 145, MedGen C0677776, MeSH D061325, MONDO:0003582. Disease mechanism: loss of function.
Hereditary cancer-predisposing syndrome. Also called: Neoplastic Syndromes, Hereditary; Hereditary neoplastic syndrome; Tumor predisposition; Hereditary Cancer Syndrome. Identifiers: Orphanet 140162, MedGen C0027672, MeSH D009386, MONDO:0015356.
Breast-ovarian cancer, familial, susceptibility to, 1 (BROVCA1). Also called: BRCA1 Hereditary Breast and Ovarian Cancer; OVARIAN CANCER, SUSCEPTIBILITY TO. Identifiers: Orphanet 145, MedGen C2676676, MONDO:0011450, OMIM 604370. Disease mechanism: loss of function.

Allele frequency attached by ClinVar (database versions not stated): gnomAD exomes below 0.00001 and 0.00001.

Submissions (7):

Dasa
Classification: Uncertain significance for Breast-ovarian cancer, familial, susceptibility to, 1. Last evaluated: 2025-11-19. Review status: criteria provided, single submitter. Criteria: DASA Assertion Criteria. Collection method: clinical testing. Allele origin: germline.
Comment: NM_007294.4(BRCA1):c.550T>A (p.Ser184Thr) is a missense variant that results in the substitution of serine with threonine. This variant is rare in population databases. The currently available literature and clinical evidence are not sufficient to establish a definitive association between this variant and the reported condition. Therefore, this variant is classified as a variant of uncertain significance.

Labcorp Genetics (formerly Invitae), Labcorp
Classification: Uncertain significance for Hereditary breast ovarian cancer syndrome. Last evaluated: 2025-10-18. Review status: criteria provided, single submitter. Criteria: Invitae Variant Classification Sherloc (09022015). Collection method: clinical testing. Allele origin: germline.
Comment: This sequence change replaces serine, which is neutral and polar, with threonine, which is neutral and polar, at codon 184 of the BRCA1 protein (p.Ser184Thr). This variant is present in population databases (no rsID available, gnomAD 0.0009%). This missense change has been observed in individual(s) with breast cancer (PMID: 21918854). ClinVar contains an entry for this variant (Variation ID: 421643). An algorithm developed to predict the effect of missense changes on protein structure and function (PolyPhen-2) suggests that this variant is likely to be disruptive. In summary, the available evidence is currently insufficient to determine the role of this variant in disease. Therefore, it has been classified as a Variant of Uncertain Significance.

Ambry Genetics
Classification: Uncertain significance for Hereditary cancer-predisposing syndrome. Last evaluated: 2025-06-26. Review status: criteria provided, single submitter. Criteria: Ambry Variant Classification Scheme 2023. Collection method: clinical testing. Allele origin: germline.
Comment: The p.S184T variant (also known as c.550T>A), located in coding exon 7 of the BRCA1 gene, results from a T to A substitution at nucleotide position 550. The serine at codon 184 is replaced by threonine, an amino acid with similar properties. This variant was detected in an individual diagnosed with breast cancer (Keshavarzi F et al. Fam. Cancer. 2012 Mar;11:57-67). This amino acid position is highly conserved in available vertebrate species. In addition, this alteration is predicted to be deleterious by in silico analysis. Based on the available evidence, the clinical significance of this variant remains unclear.

Color Diagnostics, LLC DBA Color Health
Classification: Uncertain significance for Hereditary cancer-predisposing syndrome. Last evaluated: 2024-03-19. Review status: criteria provided, single submitter. Criteria: ACMG Guidelines, 2015. Collection method: clinical testing. Allele origin: germline.
Comment: This missense variant replaces serine with threonine at codon 184 of the BRCA1 protein. Computational prediction is inconclusive regarding the impact of this variant on protein structure and function. To our knowledge, functional studies have not been reported for this variant. This variant has been reported in one individual affected with breast cancer (PMID: 21918854). This variant has been identified in 1/250928 chromosomes in the general population by the Genome Aggregation Database (gnomAD). The available evidence is insufficient to determine the role of this variant in disease conclusively. Therefore, this variant is classified as a Variant of Uncertain Significance.

All of Us Research Program, National Institutes of Health
Classification: Uncertain significance for Breast-ovarian cancer, familial, susceptibility to, 1. Last evaluated: 2023-12-01. Review status: criteria provided, single submitter. Criteria: ACMG Guidelines, 2015. Collection method: clinical testing. Allele origin: germline. Inheritance: Autosomal dominant inheritance. Observed: 1 variant allele, 1 heterozygote.
Comment: This missense variant replaces serine with threonine at codon 184 of the BRCA1 protein. Computational prediction is inconclusive regarding the impact of this variant on protein structure and function (internally defined REVEL score threshold 0.5 < inconclusive < 0.7, PMID: 27666373). To our knowledge, functional studies have not been reported for this variant. This variant has been reported in one individual affected with breast cancer (PMID: 21918854). This variant has been identified in 1/250928 chromosomes in the general population by the Genome Aggregation Database (gnomAD). The available evidence is insufficient to determine the role of this variant in disease conclusively. Therefore, this variant is classified as a Variant of Uncertain Significance.

This study involves interpretation of variants in research participants for the purpose of population health screening. Participant phenotype was not available at the time of variant classification. Additional details can be found in publication PMID: 35346344, PMCID: PMC8962531

Women's Health and Genetics/Laboratory Corporation of America, LabCorp
Classification: Uncertain significance. Last evaluated: 2023-07-17. Review status: criteria provided, single submitter. Criteria: LabCorp Variant Classification Summary - May 2015. Collection method: clinical testing. Allele origin: germline.
Comment: Variant summary: BRCA1 c.550T>A (p.Ser184Thr) results in a conservative amino acid change in the encoded protein sequence. Three of five in-silico tools predict a damaging effect of the variant on protein function. Computational tools predict no significant impact on normal splicing. However, these predictions have yet to be confirmed by functional studies. The variant allele was found at a frequency of 4e-06 in 250928 control chromosomes (gnomAD). The available data on variant occurrences in the general population are insufficient to allow any conclusion about variant significance. c.550T>A has been reported in the literature in at least one possible individual affected with Breast Cancer (Keshavarzi_2012). This report does not provide unequivocal conclusions about association of the variant with Hereditary Breast And Ovarian Cancer Syndrome. To our knowledge, no experimental evidence demonstrating an impact on protein function has been reported. The following publication has been ascertained in the context of this evaluation (PMID: 21918854). Four ClinVar submitters have assessed the variant since 2014: all submitters classified the variant as uncertain significance. Based on the evidence outlined above, the variant was classified as uncertain significance.

GeneDx
Classification: Uncertain significance. Last evaluated: 2016-07-07. Review status: criteria provided, single submitter. Criteria: GeneDx Variant Classification (06012015). Collection method: clinical testing. Allele origin: germline. Affected: yes.
Comment: This variant is denoted BRCA1 c.550T>A at the cDNA level, p.Ser184Thr (S184T) at the protein level, and results in the change of a Serine to a Threonine (TCT>ACT). Using alternate nomenclature, this variant would be defined as BRCA1 669T>A. This variant has been observed in at least one individual with early onset breast cancer (Keshavarzi 2012). BRCA1 Ser184Thr was not observed in approximately 6,500 individuals of European and African American ancestry in the NHLBI Exome Sequencing Project, suggesting it is not a common benign variant in these populations. Since Serine and Threonine share similar properties, this is considered a conservative amino acid substitution. BRCA1 Ser184Thr occurs at a position that is conserved across species and is located in the binding domain of BRD7 and MB2 (myc binding) (Wang 1998, Harte 2010). In silico analyses are inconsistent regarding the effect this variant may have on protein structure and function. Based on currently available evidence, it is unclear whether BRCA1 Ser184Thr is a pathogenic or benign variant. We consider it to be a variant of uncertain significance.

Literature cited by the submitters: PubMed 21918854 (cited by 5 submitters).

NM_007294.4(BRCA1):c.550T>A (p.Ser184Thr)

Gene: BRCA1 (BRCA1 DNA repair associated; minus strand). Cytogenetic location: 17q21.31.
Variant type: single nucleotide variant.
Coding change: c.550T>A on transcript NM_007294.4 (MANE Select); coding-DNA position 550, T replaced by A.
Protein change: p.Ser184Thr; replaces serine 184 with threonine.
Molecular consequence: missense variant. On other transcripts: non-coding transcript variant (1).
Genome position (GRCh38, 1-based): chr17:43,097,287, A>T on the plus strand (T>A on the coding strand, the complement: BRCA1 is on the minus strand). VCF-style: chr17-43097287-A-T. GRCh37 (hg19) VCF-style: chr17-41249304-A-T.
Other names: c.406T>A, p.Ser136Thr (NM_001408462.1, NM_001408463.1, NM_001408464.1 and 26 more transcripts); c.409T>A, p.Ser137Thr (NM_001408466.1, NM_001408467.1, NM_001408469.1 and 43 more transcripts); c.550T>A, p.Ser184Thr (NM_001408472.1, NM_007298.4, NM_007299.4 and 59 more transcripts); c.547T>A, p.Ser183Thr (NM_001408473.1, NM_001407587.1, NM_001407590.1 and 41 more transcripts); c.340T>A, p.Ser114Thr (NM_001408478.1, NM_001408479.1, NM_001408480.1 and 27 more transcripts); c.337T>A, p.Ser113Thr (NM_001408490.1, NM_001408491.1, NM_001408493.1 and 12 more transcripts); c.169T>A, p.Ser57Thr (NM_001408510.1, NM_001407959.1, NM_001407960.1 and 1 more transcripts); c.541T>A, p.Ser181Thr (NM_001407646.1, NM_001407647.1, NM_001408408.1); and 4 more; short protein forms S184T, S137T, S114T, S157T, S113T, S56T, S136T, S139T.
Identifiers: ClinVar variation 421643 (VCV000421643.25), dbSNP rs1064795269, ClinGen allele CA10601027.
Genomic context (GRCh38, chr17:43,097,287, plus strand): 5'-GGTTCTCTTTGACTCACCTGCAATAAGTTGCCTTATTAACGGTATCTTCAGAAGAATCAG[A>T]TCCTAAAAAATTTCCCCCCAAAAAATAAATCAATAAAAGTTTTCTTAATTAAAAGGGTTA-3'
Protein context (NP_009225.1, residues 174-194): QKTSVYIELG[Ser184Thr]DSSEDTVNKA